The following is an entry in ClinVar:

NM_000483.5(APOC2):c.*9C>T

Genes: APOC2 (apolipoprotein C2; plus strand), APOC4-APOC2 (APOC4-APOC2 readthrough (NMD candidate); plus strand). Cytogenetic location: 19q13.32.
Variant type: single nucleotide variant.
Coding change: c.*9C>T on transcript NM_000483.5 (MANE Select); 9 bases downstream of the stop codon, C replaced by T.
Molecular consequence: 3 prime UTR variant. On other transcripts: non-coding transcript variant (1).
Genome position (GRCh38, 1-based): chr19:44,949,258, C>T. VCF-style: chr19-44949258-C-T. GRCh37 (hg19) VCF-style: chr19-45452515-C-T.
Identifiers: ClinVar variation 3043416 (VCV003043416.2), dbSNP rs752198029, ClinGen allele CA9506654.
Genomic context (GRCh38, chr19:44,949,258, plus strand): 5'-CACAGGCATTTTTACTGACCAAGTTCTTTCTGTGCTGAAGGGAGAGGAGTAACAGCCAGA[C>T]CCCCCATCAGTGGACAAGGGGAGAGTCCCCTACTCCCCTGATCCCCCAGGTTCAGACTGA-3'

ClinVar aggregate classification (germline): Likely benign (0 of 4 stars; one submission).

Conditions:
APOC2-related disorder. Also called: APOC2-related condition.

gnomAD v4.1: 8 of 1,610,800 alleles (0.0005%); highest among the groups gnomAD compares: Admixed American, 0.012%; no homozygotes.

Submission:

PreventionGenetics, part of Exact Sciences
Classification: Likely benign for APOC2-related condition. Last evaluated: 2019-07-02. Review status: no assertion criteria provided. Collection method: clinical testing. Allele origin: germline.
Comment: This variant is classified as likely benign based on ACMG/AMP sequence variant interpretation guidelines (Richards et al. 2015 PMID: 25741868, with internal and published modifications).